The following is an entry in ClinVar:

ClinVar aggregate classification (germline): Uncertain significance (1 of 4 stars; one submission).

Allele frequency attached by ClinVar (database versions not stated): gnomAD exomes below 0.00001.

Submission:

GeneDx
Classification: Uncertain significance. Last evaluated: 2019-08-07. Review status: criteria provided, single submitter. Criteria: GeneDx Variant Classification Process June 2021. Collection method: clinical testing. Allele origin: germline. Affected: yes.
Comment: Not observed in large population cohorts (Lek et al., 2016); Has not been previously published as pathogenic or benign to our knowledge

NM_030665.4(RAI1):c.4891_4908dup (p.Ala1631_Ser1636dup)

Gene: RAI1 (retinoic acid induced 1; plus strand). Cytogenetic location: 17p11.2.
Variant type: Duplication.
Coding change: c.4891_4908dup on transcript NM_030665.4 (MANE Select); coding-DNA positions 4891 to 4908, 18 bases duplicated (GCCTCCTCTTCCTCATCC).
Protein change: p.Ala1631_Ser1636dup.
Molecular consequence: inframe insertion.
Genome position (GRCh38, 1-based): chr17:17,797,839-17,797,856, GCCTCCTCTTCCTCATCC duplicated. VCF-style (leftmost placement, unchanged base first): chr17-17797838-T-TGCCTCCTCTTCCTCATCC. GRCh37 (hg19) VCF-style: chr17-17701152-T-TGCCTCCTCTTCCTCATCC.
Identifiers: ClinVar variation 1303520 (VCV001303520.2), dbSNP rs2143003266, ClinGen allele CA2573054343.